The following is an entry in ClinVar:

NM_152594.3(SPRED1):c.685-206G>A

Gene: SPRED1 (sprouty related EVH1 domain containing 1; plus strand). Cytogenetic location: 15q14.
Variant type: single nucleotide variant.
Coding change: c.685-206G>A on transcript NM_152594.3 (MANE Select); 206 bases into the intron before coding-DNA position 685, G replaced by A.
Molecular consequence: intron variant.
Genome position (GRCh38, 1-based): chr15:38,350,808, G>A. VCF-style: chr15-38350808-G-A. GRCh37 (hg19) VCF-style: chr15-38643009-G-A.
Identifiers: ClinVar variation 561482 (VCV000561482.1), dbSNP rs12913526, ClinGen allele CA14169481.

ClinVar aggregate classification (germline): Benign (1 of 4 stars; one submission).

Allele frequency attached by ClinVar (database versions not stated): 1000 Genomes Project 30x 0.79747; 1000 Genomes Project 0.79932; TOPMed 0.80496; gnomAD 0.81962 and 0.82390.
gnomAD v4.1: 125,270 of 152,130 alleles (82%); highest among the groups gnomAD compares: Non-Finnish European, 90%; 52,378 homozygotes.

Submission:

GeneDx
Classification: Benign. Last evaluated: 2018-06-16. Review status: criteria provided, single submitter. Criteria: GeneDx Variant Classification (06012015). Collection method: clinical testing. Allele origin: germline. Affected: yes.
Comment: This variant is considered likely benign or benign based on one or more of the following criteria: it is a conservative change, it occurs at a poorly conserved position in the protein, it is predicted to be benign by multiple in silico algorithms, and/or has population frequency not consistent with disease.